The following is an entry in ClinVar:

NM_000540.3(RYR1):c.3371A>G (p.Asn1124Ser)

Gene: RYR1 (ryanodine receptor 1; plus strand). Cytogenetic location: 19q13.2.
Variant type: single nucleotide variant.
Coding change: c.3371A>G on transcript NM_000540.3 (MANE Select); coding-DNA position 3371, A replaced by G.
Protein change: p.Asn1124Ser; replaces asparagine 1124 with serine.
Molecular consequence: missense variant.
Genome position (GRCh38, 1-based): chr19:38,467,802, A>G. VCF-style: chr19-38467802-A-G. GRCh37 (hg19) VCF-style: chr19-38958442-A-G.
Other names: c.3371A>G, p.Asn1124Ser (NM_001042723.2); short protein forms N1124S.
Identifiers: ClinVar variation 1346689 (VCV001346689.7), dbSNP rs377285238, ClinGen allele CA064723.

ClinVar aggregate classification (germline): Uncertain significance. Review status: criteria provided, multiple submitters, no conflicts (2 of 4 stars). 3 submissions from 3 submitters: Uncertain significance (3). Last evaluated 2025-11-10.

Conditions:
RYR1-related disorder. Also called: RYR1-related condition; RYR1-related disorders. Identifiers: MedGen CN239331.
King Denborough syndrome (KDS). Identifiers: MedGen C1840365, MONDO:0020485, OMIM 619542.
Central core myopathy (CMYO1A). Also called: CONGENITAL MYOPATHY 1A, AUTOSOMAL DOMINANT, WITH SUSCEPTIBILITY TO MALIGNANT HYPERTHERMIA; Central core disease; Myopathy, central fibrillar. Identifiers: Orphanet 597, MedGen C5830701, MONDO:0007294, OMIM 117000.
Congenital multicore myopathy with external ophthalmoplegia (CMYO1B). Also called: Minicore myopathy with external ophthalmoplegia; MULTICORE MYOPATHY; MULTIMINICORE DISEASE WITH EXTERNAL OPHTHALMOPLEGIA; Congenital myopathy 1B, autosomal recessive; Minicore myopathy. Identifiers: Orphanet 598, Orphanet 98905, MedGen C1850674, MONDO:0009712, OMIM 255320, HP:0003789.
Malignant hyperthermia, susceptibility to, 1 (MHS1). Also called: Anesthesia related hyperthermia; Malignant hyperpyrexia; Fulminating hyperpyrexia; Pharmacogenic myopathy; RYR1-Related Malignant Hyperthermia Susceptibility; Malignant hyperthermia suceptibility 1. Identifiers: Orphanet 423, MedGen C2930980, MONDO:0007783, OMIM 145600.
Congenital myopathy with fiber type disproportion. Also called: Congenital fiber-type disproportion myopathy; Congenital fiber-type disproportion. Identifiers: Orphanet 2020, MedGen C0546264, MONDO:0009711. Inheritance: all.

Allele frequency attached by ClinVar (database versions not stated): gnomAD exomes 0.00001 and 0.00002; TOPMed 0.00001; ExAC 0.00002; ESP Exome Variant Server 0.00008.
gnomAD v4.1: 31 of 1,613,998 alleles (0.0019%); highest among the groups gnomAD compares: Non-Finnish European, 0.0024%; no homozygotes.

Submissions (3):

Color Diagnostics, LLC DBA Color Health
Classification: Uncertain significance for Malignant hyperthermia, susceptibility to, 1. Last evaluated: 2025-11-10. Review status: criteria provided, single submitter. Criteria: ACMG Guidelines, 2015. Collection method: clinical testing. Allele origin: germline.
Comment: This missense variant replaces asparagine with serine at codon 1124 of the RYR1 protein. Computational prediction suggests that this variant may not impact protein structure and function. To our knowledge, functional studies have not been reported for this variant. This variant has not been reported in individuals affected with RYR1-related disorders in the literature. This variant has been identified in 2/250770 chromosomes in the general population by the Genome Aggregation Database (gnomAD). The available evidence is insufficient to determine the role of this variant in disease conclusively. Therefore, this variant is classified as a Variant of Uncertain Significance.

Labcorp Genetics (formerly Invitae), Labcorp
Classification: Uncertain significance for RYR1-related disorder. Last evaluated: 2025-04-29. Review status: criteria provided, single submitter. Criteria: Invitae Variant Classification Sherloc (09022015). Collection method: clinical testing. Allele origin: germline.
Comment: This sequence change replaces asparagine, which is neutral and polar, with serine, which is neutral and polar, at codon 1124 of the RYR1 protein (p.Asn1124Ser). This variant is present in population databases (rs377285238, gnomAD 0.003%). This variant has not been reported in the literature in individuals affected with RYR1-related conditions. ClinVar contains an entry for this variant (Variation ID: 1346689). Invitae Evidence Modeling of protein sequence and biophysical properties (such as structural, functional, and spatial information, amino acid conservation, physicochemical variation, residue mobility, and thermodynamic stability) indicates that this missense variant is not expected to disrupt RYR1 protein function with a negative predictive value of 80%. In summary, the available evidence is currently insufficient to determine the role of this variant in disease. Therefore, it has been classified as a Variant of Uncertain Significance.

Fulgent Genetics
Classification: Uncertain significance for Central core myopathy; Malignant hyperthermia, susceptibility to, 1; Congenital myopathy 4A, autosomal dominant; Congenital multicore myopathy with external ophthalmoplegia; King Denborough syndrome. Last evaluated: 2021-10-17. Review status: criteria provided, single submitter. Criteria: ACMG Guidelines, 2015. Collection method: clinical testing. Allele origin: unknown.